The following is an entry in ClinVar:

NM_001356.5(DDX3X):c.1537_1541del (p.Val513fs)

Gene: DDX3X (DEAD-box helicase 3 X-linked; plus strand). Cytogenetic location: Xp11.4.
Variant type: Deletion.
Coding change: c.1537_1541del on transcript NM_001356.5 (MANE Select); coding-DNA positions 1537 to 1541, 5 bases deleted (GTTAT; older notation c.1537_1541delGTTAT).
Protein change: p.Val513fs; shifts the reading frame from valine 513.
Molecular consequence: frameshift variant. On other transcripts: non-coding transcript variant (1).
Genome position (GRCh38, 1-based): chrX:41,346,544-41,346,548, GTTAT deleted; deleting any 5 consecutive bases within chrX:41,346,542-41,346,548 gives the same sequence; the c. name uses the placement nearest the transcript's 3' end. VCF-style (leftmost placement, unchanged base first): chrX-41346541-CATGTT-C. GRCh37 (hg19) VCF-style: chrX-41205794-CATGTT-C.
Other names: c.1537_1541del, p.Val513fs (NM_001193416.3); c.1489_1493del, p.Val497fs (NM_001193417.3); c.979_983del, p.Val327fs (NM_001363819.1); short protein forms V327fs, V497fs, V513fs.
Identifiers: ClinVar variation 981368 (VCV000981368.6), dbSNP rs2063927827, ClinGen allele CA1139667464.

ClinVar aggregate classification (germline): Pathogenic. Review status: criteria provided, multiple submitters, no conflicts (2 of 4 stars). 2 submissions from 2 submitters: Pathogenic (2). Last evaluated 2023-11-27.

Conditions:
Intellectual disability. Also called: intellectual disabilities; Intellectual developmental disorder; Intellectual functioning disability. Identifiers: MedGen C3714756, MeSH D008607, MONDO:0001071, HP:0001249.

Submissions (2):

Labcorp Genetics (formerly Invitae), Labcorp
Classification: Pathogenic. Last evaluated: 2023-11-27. Review status: criteria provided, single submitter. Criteria: Invitae Variant Classification Sherloc (09022015). Collection method: clinical testing. Allele origin: germline.
Comment: This sequence change creates a premature translational stop signal (p.Val513Glnfs*3) in the DDX3X gene. It is expected to result in an absent or disrupted protein product. Loss-of-function variants in DDX3X are known to be pathogenic (PMID: 26235985). This variant is not present in population databases (gnomAD no frequency). This variant has not been reported in the literature in individuals affected with DDX3X-related conditions. ClinVar contains an entry for this variant (Variation ID: 981368). For these reasons, this variant has been classified as Pathogenic.

Diagnostic Laboratory, Strasbourg University Hospital
Classification: Pathogenic for Intellectual disability. Last evaluated: 2020-09-10. Review status: criteria provided, single submitter. Criteria: ACMG Guidelines, 2015. Collection method: clinical testing. Allele origin: de novo. Affected: yes. Observed: 1 heterozygote.

Literature cited by the submitters: PubMed 26235985 (cited by Labcorp Genetics (formerly Invitae), Labcorp).